The following is an entry in ClinVar:

NM_030957.4(ADAMTS10):c.1048A>G (p.Ile350Val)

Gene: ADAMTS10 (ADAM metallopeptidase with thrombospondin type 1 motif 10; minus strand). Cytogenetic location: 19p13.2.
Variant type: single nucleotide variant.
Coding change: c.1048A>G on transcript NM_030957.4 (MANE Select); coding-DNA position 1048, A replaced by G.
Protein change: p.Ile350Val; replaces isoleucine 350 with valine.
Molecular consequence: missense variant.
Genome position (GRCh38, 1-based): chr19:8,596,578, T>C on the plus strand (A>G on the coding strand, the complement: ADAMTS10 is on the minus strand). VCF-style: chr19-8596578-T-C. GRCh37 (hg19) VCF-style: chr19-8661462-T-C.
Other names: short protein forms I350V.
Identifiers: ClinVar variation 2103136 (VCV002103136.4), dbSNP rs2512624323, ClinGen allele CA403755849.

ClinVar aggregate classification (germline): Uncertain significance (1 of 4 stars; one submission).

Allele frequency attached by ClinVar (database versions not stated): gnomAD exomes 0.00001.
gnomAD v4.1: 6 of 1,613,278 alleles (0.00037%); highest among the groups gnomAD compares: Non-Finnish European, 0.00051%; no homozygotes.

Submission:

Labcorp Genetics (formerly Invitae), Labcorp
Classification: Uncertain significance. Last evaluated: 2022-02-24. Review status: criteria provided, single submitter. Criteria: Invitae Variant Classification Sherloc (09022015). Collection method: clinical testing. Allele origin: germline.
Comment: This sequence change replaces isoleucine, which is neutral and non-polar, with valine, which is neutral and non-polar, at codon 350 of the ADAMTS10 protein (p.Ile350Val). This variant is not present in population databases (gnomAD no frequency). This variant has not been reported in the literature in individuals affected with ADAMTS10-related conditions. Algorithms developed to predict the effect of missense changes on protein structure and function (SIFT, PolyPhen-2, Align-GVGD) all suggest that this variant is likely to be disruptive. In summary, the available evidence is currently insufficient to determine the role of this variant in disease. Therefore, it has been classified as a Variant of Uncertain Significance.